The following is an entry in ClinVar:

ClinVar aggregate classification (germline): Benign (1 of 4 stars; one submission).

Submission:

Unidad de Genómica Garrahan, Hospital de Pediatría Garrahan
Classification: Benign. Last evaluated: 2024-07-15. Review status: criteria provided, single submitter. Criteria: ACMG Guidelines, 2015. Collection method: clinical testing. Allele origin: germline. Affected: no. Observed: 64 variant alleles.
Comment: This variant is classified as Benign based on local population frequency. This variant was detected in 69% of patients studied in a panel designed for Epileptic and Developmental Encephalopathy and Progressive Myoclonus Epilepsy. Number of patients: 64. Only high quality variants are reported.

NC_000005.10:g.126540938dup

Variant type: Duplication.
Genome position: GRCh38 VCF-style: chr5-126540937-G-GA. GRCh37 (hg19) VCF-style: chr5-125876629-G-GA.
Identifiers: ClinVar variation 3255247 (VCV003255247.2), dbSNP rs34011388.